The following is an entry in ClinVar:

ClinVar aggregate classification (germline): Uncertain significance. Review status: criteria provided, multiple submitters, no conflicts (2 of 4 stars). 2 submissions from 2 submitters: Uncertain significance (2). Last evaluated 2023-10-13.

Conditions:
Inborn genetic diseases. Identifiers: MedGen C0950123, MeSH D030342.
Intellectual developmental disorder, autosomal dominant 1. Also called: Intellectual disability, autosomal dominant 1; MBD5 Haploinsufficiency. Identifiers: Orphanet 228402, MedGen C1969562, MONDO:0007974, OMIM 156200.

Submissions (2):

Labcorp Genetics (formerly Invitae), Labcorp
Classification: Uncertain significance for Intellectual developmental disorder, autosomal dominant 1. Last evaluated: 2023-10-13. Review status: criteria provided, single submitter. Criteria: Invitae Variant Classification Sherloc (09022015). Collection method: clinical testing. Allele origin: germline.
Comment: This sequence change replaces histidine, which is basic and polar, with glutamine, which is neutral and polar, at codon 855 of the MBD5 protein (p.His855Gln). This variant is not present in population databases (gnomAD no frequency). This variant has not been reported in the literature in individuals affected with MBD5-related conditions. ClinVar contains an entry for this variant (Variation ID: 1515806). Advanced modeling of protein sequence and biophysical properties (such as structural, functional, and spatial information, amino acid conservation, physicochemical variation, residue mobility, and thermodynamic stability) performed at Invitae indicates that this missense variant is not expected to disrupt MBD5 protein function. In summary, the available evidence is currently insufficient to determine the role of this variant in disease. Therefore, it has been classified as a Variant of Uncertain Significance.

Ambry Genetics
Classification: Uncertain significance for Inborn genetic diseases. Last evaluated: 2017-09-06. Review status: criteria provided, single submitter. Criteria: Ambry Variant Classification Scheme 2023. Collection method: clinical testing. Allele origin: germline.
Comment: The p.H855Q variant (also known as c.2565C>G), located in coding exon 5 of the MBD5 gene, results from a C to G substitution at nucleotide position 2565. The histidine at codon 855 is replaced by glutamine, an amino acid with highly similar properties. This amino acid position is not well conserved in available vertebrate species. In addition, this alteration is predicted to be tolerated by in silico analysis. Since supporting evidence is limited at this time, the clinical significance of this alteration remains unclear.

NM_001378120.1(MBD5):c.2565C>G (p.His855Gln)

Gene: MBD5 (methyl-CpG binding domain protein 5; plus strand). Cytogenetic location: 2q23.1.
Variant type: single nucleotide variant.
Coding change: c.2565C>G on transcript NM_001378120.1 (MANE Select); coding-DNA position 2565, C replaced by G.
Protein change: p.His855Gln; replaces histidine 855 with glutamine.
Molecular consequence: missense variant.
Genome position (GRCh38, 1-based): chr2:148,483,156, C>G. VCF-style: chr2-148483156-C-G. GRCh37 (hg19) VCF-style: chr2-149240725-C-G.
Other names: c.2565C>G, p.His855Gln (NM_018328.5); short protein forms H855Q.
Identifiers: ClinVar variation 1515806 (VCV001515806.10), dbSNP rs2105071741, ClinGen allele CA348722230.
Genomic context (GRCh38, chr2:148,483,156, plus strand): 5'-TTTTTTCATTTTAGGCGGTTCAGGACCATCATCCTCCATAGCCATAGCGGGCACCAACCA[C>G]CCTGCCATCACAAAGACAACATCTGTTCTTCAAGATGGCGTCATAGTCACCACTGCAGCT-3'
Protein context (NP_001365049.1, residues 845-865): SSSIAIAGTN[His855Gln]PAITKTTSVL